The following is an entry in ClinVar:

NM_001122630.2(CDKN1C):c.771_786del (p.Gly258fs)

Gene: CDKN1C (cyclin dependent kinase inhibitor 1C; minus strand). Cytogenetic location: 11p15.4.
Variant type: Deletion.
Coding change: c.771_786del on transcript NM_001122630.2 (MANE Select); coding-DNA positions 771 to 786, 16 bases deleted (CGGGCCTCTGATCTCC).
Protein change: p.Gly258fs; shifts the reading frame from glycine 258.
Molecular consequence: frameshift variant. On other transcripts: intron variant (1).
Genome position (GRCh38, 1-based): chr11:2,884,671-2,884,686, GGAGATCAGAGGCCCG deleted on the plus strand (CGGGCCTCTGATCTCC on the coding strand, the reverse complement: CDKN1C is on the minus strand); deleting any 16 consecutive bases within chr11:2,884,671-2,884,687 gives the same sequence; the c. name uses the placement nearest the transcript's 3' end. VCF-style (leftmost placement, unchanged base first): chr11-2884670-CGGAGATCAGAGGCCCG-C. GRCh37 (hg19) VCF-style: chr11-2905900-CGGAGATCAGAGGCCCG-C.
Other names: c.804_819del, p.Gly269fs (NM_000076.2, NM_001362474.2); c.771_786del, p.Gly258fs (NM_001122631.2); c.255+516_255+531del (NM_001362475.2); short protein forms G269fs, G258fs.
Identifiers: ClinVar variation 847764 (VCV000847764.9), dbSNP rs1848915004, ClinGen allele CA916081623.

ClinVar aggregate classification (germline): Likely pathogenic (1 of 4 stars; one submission).

Conditions:
Beckwith-Wiedemann syndrome (BWS). Also called: EMG SYNDROME; Exomphalos macroglossia gigantism syndrome. Identifiers: Orphanet 116, MedGen C0004903, MONDO:0007534, OMIM 130650.

Submission:

Labcorp Genetics (formerly Invitae), Labcorp
Classification: Likely pathogenic for Beckwith-Wiedemann syndrome. Last evaluated: 2020-09-11. Review status: criteria provided, single submitter. Criteria: Invitae Variant Classification Sherloc (09022015). Collection method: clinical testing. Allele origin: germline.
Comment: In summary, the currently available evidence indicates that the variant is pathogenic, but additional data are needed to prove that conclusively. Therefore, this variant has been classified as Likely Pathogenic. This variant disrupts the C-terminus of the CDKN1C protein. Other variant(s) that disrupt this region (p.Ser282) have been observed in individuals with CDKN1C-related conditions (PMID: 19386358, 10424811). This suggests that this may be a clinically significant region of the protein. This variant has not been reported in the literature in individuals with CDKN1C-related conditions. ClinVar contains an entry for this variant (Variation ID: 847764). This variant is not present in population databases (ExAC no frequency). This sequence change results in a premature translational stop signal in the CDKN1C gene (p.Gly269Ilefs*47). While this is not anticipated to result in nonsense mediated decay, it is expected to disrupt the last 48 amino acids of the CDKN1C protein.

Literature cited by the submitters: PubMed 19386358; PubMed 10424811.